The following is an entry in ClinVar:

NM_005612.5(REST):c.2258_2259insAGAGGTGGTCCAGAAGGAGCCTGTTCAGATGGAGTTGTCTCCTCCCAT (p.Pro752_Met753insIleGluValValGlnLysGluProValGlnMetGluLeuSerProPro)

Gene: REST (RE1 silencing transcription factor; plus strand). Cytogenetic location: 4q12.
Variant type: Insertion.
Coding change: c.2258_2259insAGAGGTGGTCCAGAAGGAGCCTGTTCAGATGGAGTTGTCTCCTCCCAT on transcript NM_005612.5 (MANE Select); coding-DNA positions 2258 to 2259, AGAGGTGGTCCAGAAGGAGCCTGTTCAGATGGAGTTGTCTCCTCCCAT inserted.
Protein change: p.Pro752_Met753insIleGluValValGlnLysGluProValGlnMetGluLeuSerProPro.
Molecular consequence: inframe insertion. On other transcripts: inframe indel (2).
Genome position: GRCh38: chr4:56,931,116-56,931,117. GRCh37 (hg19): chr4:57,797,282-57,797,283.
Other names: c.2258_2259insAGAGGTGGTCCAGAAGGAGCCTGTTCAGATGGAGTTGTCTCCTCCCAT, p.Pro752_Met753insIleGluValValGlnLysGluProValGlnMetGluLeuSerProPro (NM_001193508.2, NM_001363453.3).
Identifiers: ClinVar variation 1949936 (VCV001949936.5), dbSNP rs2475852396, ClinGen allele CA2580071233.

ClinVar aggregate classification (germline): Uncertain significance (1 of 4 stars; one submission).

Submission:

Labcorp Genetics (formerly Invitae), Labcorp
Classification: Uncertain significance. Last evaluated: 2023-03-01. Review status: criteria provided, single submitter. Criteria: Invitae Variant Classification Sherloc (09022015). Collection method: clinical testing. Allele origin: germline.
Comment: This variant is not present in population databases (gnomAD no frequency). In summary, the available evidence is currently insufficient to determine the role of this variant in disease. Therefore, it has been classified as a Variant of Uncertain Significance. ClinVar contains an entry for this variant (Variation ID: 1949936). This variant has not been reported in the literature in individuals affected with REST-related conditions. This variant, c.2258_2259ins48, results in the insertion of 16 amino acid(s) of the REST protein (p.Pro752_Met753ins16), but otherwise preserves the integrity of the reading frame.